The following is an entry in ClinVar:

NM_003072.5(SMARCA4):c.2751G>A (p.Lys917=)

Gene: SMARCA4 (SWI/SNF related BAF chromatin remodeling complex subunit ATPase 4; plus strand). Cytogenetic location: 19p13.2.
Variant type: single nucleotide variant.
Coding change: c.2751G>A on transcript NM_003072.5 (MANE Select); coding-DNA position 2751, G replaced by A.
Protein change: p.Lys917=; no amino-acid change (lysine 917 retained).
Molecular consequence: synonymous variant. On other transcripts: non-coding transcript variant (1).
Genome position (GRCh38, 1-based): chr19:11,021,859, G>A. VCF-style: chr19-11021859-G-A. GRCh37 (hg19) VCF-style: chr19-11132535-G-A.
Other names: c.2751G>A, p.Lys917= (NM_001128844.3, NM_001128845.2, NM_001128846.2 and 4 more transcripts).
Identifiers: ClinVar variation 729397 (VCV000729397.12), dbSNP rs1600278783, ClinGen allele CA505743601.

ClinVar aggregate classification (germline): Likely benign. Review status: criteria provided, multiple submitters, no conflicts (2 of 4 stars). 3 submissions from 3 submitters: Likely benign (2). 1 of the submissions does not count toward it. Last evaluated 2025-05-18.

Conditions:
Rhabdoid tumor predisposition syndrome 2 (RTPS2). Identifiers: Orphanet 231108, Orphanet 69077, MedGen C2750074, MONDO:0013224, OMIM 613325.
Hereditary cancer-predisposing syndrome. Also called: Hereditary neoplastic syndrome; Tumor predisposition; Hereditary Cancer Syndrome; Neoplastic Syndromes, Hereditary. Identifiers: Orphanet 140162, MedGen C0027672, MeSH D009386, MONDO:0015356.
SMARCA4-related disorder. Also called: SMARCA4-related condition.

Allele frequency attached by ClinVar (database versions not stated): gnomAD exomes below 0.00001.
gnomAD v4.1: 1 of 1,613,806 alleles (0.000062%); highest among the groups gnomAD compares: Middle Eastern, 0.016%; no homozygotes.

Submissions (3):

Ambry Genetics
Classification: Likely benign for Hereditary cancer-predisposing syndrome. Last evaluated: 2025-05-18. Review status: criteria provided, single submitter. Criteria: Ambry Variant Classification Scheme 2023. Collection method: clinical testing. Allele origin: germline.

Labcorp Genetics (formerly Invitae), Labcorp
Classification: Likely benign for Rhabdoid tumor predisposition syndrome 2. Last evaluated: 2025-02-23. Review status: criteria provided, single submitter. Criteria: Invitae Variant Classification Sherloc (09022015). Collection method: clinical testing. Allele origin: germline.

PreventionGenetics, part of Exact Sciences
Classification: Likely benign for SMARCA4-related condition. Last evaluated: 2024-08-07. Review status: no assertion criteria provided. Collection method: clinical testing. Allele origin: germline. Not counted in ClinVar's aggregate classification.
Comment: This variant is classified as likely benign based on ACMG/AMP sequence variant interpretation guidelines (Richards et al. 2015 PMID: 25741868, with internal and published modifications).